The following is an entry in ClinVar:

NM_004974.4(KCNA2):c.767A>T (p.Asn256Ile)

Gene: KCNA2 (potassium voltage-gated channel subfamily A member 2; minus strand). Cytogenetic location: 1p13.3.
Variant type: single nucleotide variant.
Coding change: c.767A>T on transcript NM_004974.4 (MANE Select); coding-DNA position 767, A replaced by T.
Protein change: p.Asn256Ile; replaces asparagine 256 with isoleucine.
Molecular consequence: missense variant.
Genome position (GRCh38, 1-based): chr1:110,604,016, T>A on the plus strand (A>T on the coding strand, the complement: KCNA2 is on the minus strand). VCF-style: chr1-110604016-T-A. GRCh37 (hg19) VCF-style: chr1-111146638-T-A.
Other names: c.767A>T, p.Asn256Ile (NM_001204269.2); short protein forms N256I.
Identifiers: ClinVar variation 1307977 (VCV001307977.12), dbSNP rs2101399466, ClinGen allele CA341603242.

ClinVar aggregate classification (germline): Conflicting classifications of pathogenicity. Review status: criteria provided, conflicting classifications (1 of 4 stars). 2 submissions from 2 submitters: Likely pathogenic (1); Uncertain significance (1). Last evaluated 2026-01-06.

Conditions:
Developmental and epileptic encephalopathy, 32 (DEE32). Also called: Epileptic encephalopathy, early infantile, 32. Identifiers: Orphanet 442835, MedGen C4225350, MONDO:0014607, OMIM 616366.

Submissions (2):

Labcorp Genetics (formerly Invitae), Labcorp
Classification: Likely pathogenic for Developmental and epileptic encephalopathy, 32. Last evaluated: 2026-01-06. Review status: criteria provided, single submitter. Criteria: Invitae Variant Classification Sherloc (09022015). Collection method: clinical testing. Allele origin: germline.
Comment: This sequence change replaces asparagine, which is neutral and polar, with isoleucine, which is neutral and non-polar, at codon 256 of the KCNA2 protein (p.Asn256Ile). This variant is not present in population databases (gnomAD no frequency). This missense change has been observed in individual(s) with developmental and epileptic encephalopathy (internal data). It has also been observed to segregate with disease in related individuals. ClinVar contains an entry for this variant (Variation ID: 1307977). Invitae Evidence Modeling of protein sequence and biophysical properties (such as structural, functional, and spatial information, amino acid conservation, physicochemical variation, residue mobility, and thermodynamic stability) indicates that this missense variant is expected to disrupt KCNA2 protein function with a positive predictive value of 95%. In summary, the currently available evidence indicates that the variant is pathogenic, but additional data are needed to prove that conclusively. Therefore, this variant has been classified as Likely Pathogenic.

GeneDx
Classification: Uncertain significance. Last evaluated: 2025-10-07. Review status: criteria provided, single submitter. Criteria: GeneDx Variant Classification Process June 2021. Collection method: clinical testing. Allele origin: germline. Affected: yes.
Comment: Not observed at significant frequency in large population cohorts (gnomAD); In silico analysis supports that this missense variant has a deleterious effect on protein structure/function; Has not been previously published as pathogenic or benign to our knowledge